The following is an entry in ClinVar:

NM_001110556.2(FLNA):c.6455C>G (p.Ser2152Ter)

Gene: FLNA (filamin A; minus strand). Cytogenetic location: Xq28.
Variant type: single nucleotide variant.
Coding change: c.6455C>G on transcript NM_001110556.2 (MANE Select); coding-DNA position 6455, C replaced by G.
Protein change: p.Ser2152Ter; replaces serine 2152 with a stop codon.
Molecular consequence: nonsense.
Genome position (GRCh38, 1-based): chrX:154,352,600, G>C on the plus strand (C>G on the coding strand, the complement: FLNA is on the minus strand). VCF-style: chrX-154352600-G-C. GRCh37 (hg19) VCF-style: chrX-153580968-G-C.
Other names: c.6431C>G, p.Ser2144Ter (NM_001456.4); short protein forms S2144*, S2152*.
Identifiers: ClinVar variation 431925 (VCV000431925.2), dbSNP rs1557176001, ClinGen allele CA415192133.

ClinVar aggregate classification (germline): Pathogenic (1 of 4 stars; one submission).

Submission:

GeneDx
Classification: Pathogenic. Last evaluated: 2015-11-05. Review status: criteria provided, single submitter. Criteria: GeneDx Variant Classification (06012015). Collection method: clinical testing. Allele origin: germline. Affected: yes.
Comment: The S2144X variant has not been published as a pathogenic variant, nor has it been reported as abenign variant to our knowledge. It was not observed in approximately 6100 individuals of Europeanand African American ancestry in the NHLBI Exome Sequencing Project, indicating it is not acommon benign variant in these populations. In addition, this variant is predicted to cause loss ofnormal protein function either through protein truncation or nonsense-mediated mRNA decay. Therefore, S2144X is interpreted as a pathogenic variant.